The following is an entry in ClinVar:

ClinVar aggregate classification (germline): Likely pathogenic (1 of 4 stars; one submission).

Allele frequency attached by ClinVar (database versions not stated): gnomAD exomes below 0.00001.

Submission:

Labcorp Genetics (formerly Invitae), Labcorp
Classification: Likely pathogenic. Last evaluated: 2023-07-21. Review status: criteria provided, single submitter. Criteria: Invitae Variant Classification Sherloc (09022015). Collection method: clinical testing. Allele origin: germline.
Comment: In summary, the currently available evidence indicates that the variant is pathogenic, but additional data are needed to prove that conclusively. Therefore, this variant has been classified as Likely Pathogenic. This sequence change affects an acceptor splice site in intron 1 of the IHH gene. It is expected to disrupt RNA splicing. Variants that disrupt the donor or acceptor splice site typically lead to a loss of protein function (PMID: 16199547), and loss-of-function variants in IHH are known to be pathogenic (PMID: 11455389, 19277064). This variant is not present in population databases (gnomAD no frequency). This variant has not been reported in the literature in individuals affected with IHH-related conditions. ClinVar contains an entry for this variant (Variation ID: 1386803). Algorithms developed to predict the effect of sequence changes on RNA splicing suggest that this variant may disrupt the consensus splice site.

Literature cited by the submitters: PubMed 16199547; PubMed 11455389; PubMed 19277064.

NM_002181.4(IHH):c.316-1G>A

Gene: IHH (Indian hedgehog signaling molecule; minus strand). Cytogenetic location: 2q35.
Variant type: single nucleotide variant.
Coding change: c.316-1G>A on transcript NM_002181.4 (MANE Select); the canonical splice acceptor site of the intron before coding-DNA position 316, G replaced by A.
Molecular consequence: splice acceptor variant.
Genome position (GRCh38, 1-based): chr2:219,057,695, C>T on the plus strand (G>A on the coding strand, the complement: IHH is on the minus strand). VCF-style: chr2-219057695-C-T. GRCh37 (hg19) VCF-style: chr2-219922417-C-T.
Identifiers: ClinVar variation 1386803 (VCV001386803.6), dbSNP rs2106308616, ClinGen allele CA350635937.